The following is an entry in ClinVar:

ClinVar aggregate classification (germline): Likely pathogenic (1 of 4 stars; one submission).

Conditions:
Autosomal recessive nonsyndromic hearing loss 3. Also called: NEUROSENSORY NONSYNDROMIC RECESSIVE DEAFNESS 3. Identifiers: Orphanet 90636, MedGen C1838263, MONDO:0010860, OMIM 600316.

Allele frequency attached by ClinVar (database versions not stated): TOPMed below 0.00001.

Submission:

King Laboratory, University of Washington
Classification: Likely pathogenic for Autosomal recessive nonsyndromic hearing loss 3. Last evaluated: 2023-02-28. Review status: criteria provided, single submitter. Criteria: Li et al. (Genet Med. 2022). Collection method: research. Allele origin: unknown. Affected: yes.
Comment: This variant occurred in compound heterozygosity with a MYO15A frameshift variant in a patient with bilateral sensorineural hearing loss of onset <18 years, in a study of pediatric hearing loss conducted by the King Laboratory (Carlson RJ et al. JAMA-OtoHNS 2023). This patient has a maternal 2nd uncle and 2nd cousin with profound childhood-onset hearing loss, and the family has no other history of hearing loss. This variant is a missense at a completely conserved site within the MyTH4 domain of the MYO15A protein and is predicted to be damaging by multiple in-silico tools. As of January 2023, this variant has not been reported to ClinVar and is not found on gnomAD. Based on compound heterozygosity with a loss-of-function variant, consistently predicted functional effect, and goodness of fit of genotype to phenotype, we conclude that this variant is likely pathogenic.

Literature cited by the submitters: PubMed 36633841.

NM_016239.4(MYO15A):c.9443G>A (p.Cys3148Tyr)

Gene: MYO15A (myosin XVA; plus strand). Cytogenetic location: 17p11.2.
Variant type: single nucleotide variant.
Coding change: c.9443G>A on transcript NM_016239.4 (MANE Select); coding-DNA position 9443, G replaced by A.
Protein change: p.Cys3148Tyr; replaces cysteine 3148 with tyrosine.
Molecular consequence: missense variant.
Genome position (GRCh38, 1-based): chr17:18,161,373, G>A. VCF-style: chr17-18161373-G-A. GRCh37 (hg19) VCF-style: chr17-18064687-G-A.
Other names: short protein forms C3148Y.
Identifiers: ClinVar variation 2445658 (VCV002445658.1), dbSNP rs2046773972, ClinGen allele CA398636424.